The following is an entry in ClinVar:

ClinVar aggregate classification (germline): Likely benign (1 of 4 stars; one submission).

Conditions:
PCDH15-related disorder. Also called: PCDH15-related condition; PCDH15-related disorders.

gnomAD v4.1: 14 of 1,531,820 alleles (0.00091%); highest among the groups gnomAD compares: Middle Eastern, 0.034%; no homozygotes.

Submission:

PreventionGenetics, part of Exact Sciences
Classification: Likely benign for PCDH15-related condition. Last evaluated: 2025-07-17. Review status: criteria provided, single submitter. Criteria: ACMG Guidelines, 2015. Collection method: clinical testing. Allele origin: germline.
Comment: This variant is classified as likely benign based on ACMG/AMP sequence variant interpretation guidelines (Richards et al. 2015 PMID: 25741868, with internal and published modifications).

NM_001384140.1(PCDH15):c.4492-6C>T

Gene: PCDH15 (protocadherin related 15; minus strand). Cytogenetic location: 10q21.1.
Variant type: single nucleotide variant.
Coding change: c.4492-6C>T on transcript NM_001384140.1 (MANE Select); 6 bases into the intron before coding-DNA position 4492, C replaced by T.
Molecular consequence: intron variant.
Genome position (GRCh38, 1-based): chr10:53,811,625, G>A on the plus strand (C>T on the coding strand, the complement: PCDH15 is on the minus strand). VCF-style: chr10-53811625-G-A. GRCh37 (hg19) VCF-style: chr10-55571385-G-A.
Other names: c.4368-961C>T (NM_001354420.2); c.4426-6C>T (NM_001354429.2); c.4374-961C>T (NM_001142772.2); c.4389-961C>T (NM_001142771.2, NM_001354411.2); c.4374-6C>T (NM_001142770.3); c.4410-961C>T (NM_001142769.3).
Identifiers: ClinVar variation 4989505 (VCV004989505.1).